The following is an entry in ClinVar:

NM_001365951.3(KIF1B):c.2381T>C (p.Leu794Pro)

Gene: KIF1B (kinesin family member 1B; plus strand). Cytogenetic location: 1p36.22.
Variant type: single nucleotide variant.
Coding change: c.2381T>C on transcript NM_001365951.3 (MANE Select); coding-DNA position 2381, T replaced by C.
Protein change: p.Leu794Pro; replaces leucine 794 with proline.
Molecular consequence: missense variant.
Genome position (GRCh38, 1-based): chr1:10,323,906, T>C. VCF-style: chr1-10323906-T-C. GRCh37 (hg19) VCF-style: chr1-10383964-T-C.
Other names: c.2381T>C, p.Leu794Pro (NM_001365952.1); c.2243T>C, p.Leu748Pro (NM_015074.3); short protein forms L794P, L748P.
Identifiers: ClinVar variation 4543626 (VCV004543626.1).
Genomic context (GRCh38, chr1:10,323,906, plus strand): 5'-TGAAAACCATTTGTCAATGGTTTATTCTTTCTATTCAGGTGCAGTTTCAGTTTGTTCTGC[T>C]GACTGACACACTGTACTCCCCTTTGCCTCCTGAATTACTTCCCACTGAGATGGAAAAAAC-3'
Protein context (NP_001352880.1, residues 784-804): KKKVQFQFVL[Leu794Pro]TDTLYSPLPP

ClinVar aggregate classification (germline): Uncertain significance (1 of 4 stars; one submission).

Submission:

Ambry Genetics
Classification: Uncertain significance. Last evaluated: 2025-09-22. Review status: criteria provided, single submitter. Criteria: Ambry Variant Classification Scheme 2023. Collection method: clinical testing. Allele origin: germline.
Comment: The p.L748P variant (also known as c.2243T>C), located in coding exon 22 of the KIF1B gene, results from a T to C substitution at nucleotide position 2243. The leucine at codon 748 is replaced by proline, an amino acid with similar properties. This amino acid position is conserved. In addition, this alteration is predicted to be deleterious by in silico analysis. Based on the available evidence, the clinical significance of this variant remains unclear.